The following is an entry in ClinVar:

ClinVar aggregate classification (germline): Uncertain significance. Review status: criteria provided, multiple submitters, no conflicts (2 of 4 stars). 2 submissions from 2 submitters: Uncertain significance (2). Last evaluated 2024-12-08.

Conditions:
Familial adenomatous polyposis 1 (FAP1). Also called: FAMILIAL ADENOMATOUS POLYPOSIS 1, ATTENUATED; POLYPOSIS, ADENOMATOUS INTESTINAL. Identifiers: MedGen C2713442, MONDO:0021056, OMIM 175100. Disease mechanism: loss of function.
Hereditary cancer-predisposing syndrome. Also called: Hereditary Cancer Syndrome; Hereditary neoplastic syndrome; Tumor predisposition; Neoplastic Syndromes, Hereditary. Identifiers: Orphanet 140162, MedGen C0027672, MeSH D009386, MONDO:0015356.

Allele frequency attached by ClinVar (database versions not stated): gnomAD 0.00001.
gnomAD v4.1: 1 of 1,606,272 alleles (0.000062%); highest among the groups gnomAD compares: African/African-American, 0.0013%; no homozygotes.

Submissions (2):

Labcorp Genetics (formerly Invitae), Labcorp
Classification: Uncertain significance for Familial adenomatous polyposis 1. Last evaluated: 2024-12-08. Review status: criteria provided, single submitter. Criteria: Invitae Variant Classification Sherloc (09022015). Collection method: clinical testing. Allele origin: germline.
Comment: This sequence change replaces serine, which is neutral and polar, with asparagine, which is neutral and polar, at codon 2822 of the APC protein (p.Ser2822Asn). This variant is present in population databases (no rsID available, gnomAD 0.01%). This variant has not been reported in the literature in individuals affected with APC-related conditions. ClinVar contains an entry for this variant (Variation ID: 841730). Invitae Evidence Modeling of protein sequence and biophysical properties (such as structural, functional, and spatial information, amino acid conservation, physicochemical variation, residue mobility, and thermodynamic stability) indicates that this missense variant is not expected to disrupt APC protein function with a negative predictive value of 95%. In summary, the available evidence is currently insufficient to determine the role of this variant in disease. Therefore, it has been classified as a Variant of Uncertain Significance.

Color Diagnostics, LLC DBA Color Health
Classification: Uncertain significance for Hereditary cancer-predisposing syndrome. Last evaluated: 2022-11-07. Review status: criteria provided, single submitter. Criteria: ACMG Guidelines, 2015. Collection method: clinical testing. Allele origin: germline.
Comment: This missense variant replaces serine with asparagine at codon 2822 of the APC protein. Computational prediction suggests that this variant may not impact protein structure and function (internally defined REVEL score threshold <= 0.5, PMID: 27666373). To our knowledge, functional studies have not been reported for this variant. This variant has not been reported in individuals affected with APC-related disorders in the literature. This variant has been identified in 1/31400 chromosomes in the general population by the Genome Aggregation Database (gnomAD). The available evidence is insufficient to determine the role of this variant in disease conclusively. Therefore, this variant is classified as a Variant of Uncertain Significance.

NM_000038.6(APC):c.8465G>A (p.Ser2822Asn)

Gene: APC (APC regulator of Wnt signaling pathway; plus strand). Cytogenetic location: 5q22.2.
Variant type: single nucleotide variant.
Coding change: c.8465G>A on transcript NM_000038.6 (MANE Select); coding-DNA position 8465, G replaced by A.
Protein change: p.Ser2822Asn; replaces serine 2822 with asparagine.
Molecular consequence: missense variant.
Genome position (GRCh38, 1-based): chr5:112,844,059, G>A. VCF-style: chr5-112844059-G-A. GRCh37 (hg19) VCF-style: chr5-112179756-G-A.
Other names: c.8381G>A, p.Ser2794Asn (NM_001354899.2); c.8342G>A, p.Ser2781Asn (NM_001354900.2); c.8288G>A, p.Ser2763Asn (NM_001354901.2); c.8192G>A, p.Ser2731Asn (NM_001354902.2); c.8162G>A, p.Ser2721Asn (NM_001354903.2); c.8087G>A, p.Ser2696Asn (NM_001354904.2); c.7985G>A, p.Ser2662Asn (NM_001354905.2); c.7616G>A, p.Ser2539Asn (NM_001354906.2); and 5 more; short protein forms S2804N, S2822N, S2696N, S2731N, S2781N, S2794N, S2797N, S2539N.
Identifiers: ClinVar variation 841730 (VCV000841730.13), dbSNP rs1421264825, ClinGen allele CA16039694.